The following is an entry in ClinVar:

ClinVar aggregate classification (germline): Uncertain significance. Review status: criteria provided, multiple submitters, no conflicts (2 of 4 stars). 2 submissions from 2 submitters: Uncertain significance (2). Last evaluated 2025-10-27.

Conditions:
LRRC45-related disorder. Also called: LRRC45-related condition.

gnomAD v4.1: 24 of 1,579,306 alleles (0.0015%); highest among the groups gnomAD compares: South Asian, 0.0023%; no homozygotes.

Submissions (2):

Ambry Genetics
Classification: Uncertain significance. Last evaluated: 2025-10-27. Review status: criteria provided, single submitter. Criteria: Ambry Variant Classification Scheme 2023. Collection method: clinical testing. Allele origin: germline.

PreventionGenetics, part of Exact Sciences
Classification: Uncertain significance for LRRC45-related condition. Last evaluated: 2025-09-22. Review status: criteria provided, single submitter. Criteria: ACMG Guidelines, 2015. Collection method: clinical testing. Allele origin: germline.
Comment: The LRRC45 c.1435G>A variant is predicted to result in the amino acid substitution p.Glu479Lys. To our knowledge, this variant has not been reported in the literature. This variant is reported in 0.0040% of alleles in individuals of South Asian descent in gnomAD. At this time, the clinical significance of this variant is uncertain due to the absence of conclusive functional and genetic evidence.

NM_144999.4(LRRC45):c.1435G>A (p.Glu479Lys)

Gene: LRRC45 (leucine rich repeat containing 45; plus strand). Cytogenetic location: 17q25.3.
Variant type: single nucleotide variant.
Coding change: c.1435G>A on transcript NM_144999.4 (MANE Select); coding-DNA position 1435, G replaced by A.
Protein change: p.Glu479Lys; replaces glutamic acid 479 with lysine.
Molecular consequence: missense variant.
Genome position (GRCh38, 1-based): chr17:82,029,576, G>A. VCF-style: chr17-82029576-G-A. GRCh37 (hg19) VCF-style: chr17-79987452-G-A.
Other names: c.1435G>A (NM_144999.3); short protein forms E479K.
Identifiers: ClinVar variation 4547883 (VCV004547883.2).